The following is an entry in ClinVar:

NM_020800.3(IFT80):c.-40C>T

Genes: IFT80 (intraflagellar transport 80; minus strand), TRIM59-IFT80 (TRIM59-IFT80 readthrough (NMD candidate); minus strand). Cytogenetic location: 3q25.33.
Variant type: single nucleotide variant.
Coding change: c.-40C>T on transcript NM_020800.3 (MANE Select); 40 bases upstream of the start codon, C replaced by T.
Molecular consequence: 5 prime UTR variant. On other transcripts: non-coding transcript variant (2).
Genome position (GRCh38, 1-based): chr3:160,384,640, G>A on the plus strand (C>T on the coding strand, the complement: IFT80 is on the minus strand). VCF-style: chr3-160384640-G-A. GRCh37 (hg19) VCF-style: chr3-160102428-G-A.
Other names: c.-671C>T (NM_001190241.2).
Identifiers: ClinVar variation 343985 (VCV000343985.5), dbSNP rs79756374, ClinGen allele CA2685611.

ClinVar aggregate classification (germline): Benign (1 of 4 stars; one submission).

Conditions:
Asphyxiating thoracic dystrophy 2 (SRTD2). Also called: SHORT-RIB THORACIC DYSPLASIA 2 WITH OR WITHOUT POLYDACTYLY; SHORT-RIB THORACIC DYSPLASIA 2 WITH POLYDACTYLY; SHORT-RIB THORACIC DYSPLASIA 2 WITHOUT POLYDACTYLY. Identifiers: Orphanet 474, MedGen C1970005, MONDO:0012644, OMIM 611263.

Allele frequency attached by ClinVar (database versions not stated): gnomAD exomes 0.00155 and 0.00458; ExAC 0.00582; gnomAD 0.01873 and 0.01997; ESP Exome Variant Server 0.02073; TOPMed 0.02073; 1000 Genomes Project 0.02296; 1000 Genomes Project 30x 0.02327.
gnomAD v4.1: 5,161 of 1,583,396 alleles (0.33%); highest among the groups gnomAD compares: African/African-American, 6.2%; 147 homozygotes.

Submission:

Illumina Laboratory Services, Illumina
Classification: Benign for Asphyxiating thoracic dystrophy 2. Last evaluated: 2018-01-13. Review status: criteria provided, single submitter. Criteria: ICSL Variant Classification Criteria 13 December 2019. Collection method: clinical testing. Allele origin: germline.
Comment: This variant was observed in the ICSL laboratory as part of a predisposition screen in an ostensibly healthy population. It had not been previously curated by ICSL or reported in the Human Gene Mutation Database (HGMD: prior to June 1st, 2018), and was therefore a candidate for classification through an automated scoring system. Utilizing variant allele frequency, disease prevalence and penetrance estimates, and inheritance mode, an automated score was calculated to assess if this variant is too frequent to cause the disease. Based on the score and internal cut-off values, a variant classified as benign is not then subjected to further curation. The score for this variant resulted in a classification of benign for this disease.